The following is an entry in ClinVar:

ClinVar aggregate classification (germline): Uncertain significance. Review status: criteria provided, multiple submitters, no conflicts (2 of 4 stars). 2 submissions from 2 submitters: Uncertain significance (2). Last evaluated 2026-04-16.

Conditions:
DYNC1H1-related disorder. Also called: DYNC1H1-related condition; DYNC1H1-related disorders. Identifiers: MedGen CN381529.

Submissions (2):

PreventionGenetics, part of Exact Sciences
Classification: Uncertain significance for DYNC1H1-related condition. Last evaluated: 2026-04-16. Review status: criteria provided, single submitter. Criteria: ACMG Guidelines, 2015. Collection method: clinical testing. Allele origin: germline.
Comment: The DYNC1H1 c.12561T>G variant is predicted to result in the amino acid substitution p.His4187Gln. To our knowledge, this variant has not been reported in the literature or in a large population database (gnomAD), indicating this variant is rare. An alternate missense change at the same amino acid position (p.His4187Arg) has been reported in an individual affected with autism spectrum disorder (Zhou et al. 2022. PubMed ID: 35982159). At this time, the clinical significance of this variant is uncertain due to the absence of conclusive functional and genetic evidence.

Blueprint Genetics
Classification: Uncertain significance. Last evaluated: 2019-08-14. Review status: criteria provided, single submitter. Criteria: ACMG Guidelines, 2015. Collection method: clinical testing. Allele origin: germline.

NM_001376.5(DYNC1H1):c.12561T>G (p.His4187Gln)

Gene: DYNC1H1 (dynein cytoplasmic 1 heavy chain 1; plus strand). Cytogenetic location: 14q32.31.
Variant type: single nucleotide variant.
Coding change: c.12561T>G on transcript NM_001376.5 (MANE Select); coding-DNA position 12561, T replaced by G.
Protein change: p.His4187Gln; replaces histidine 4187 with glutamine.
Molecular consequence: missense variant.
Genome position (GRCh38, 1-based): chr14:102,043,922, T>G. VCF-style: chr14-102043922-T-G. GRCh37 (hg19) VCF-style: chr14-102510259-T-G.
Other names: short protein forms H4187Q.
Identifiers: ClinVar variation 4923233 (VCV004923233.2).
Genomic context (GRCh38, chr14:102,043,922, plus strand): 5'-CTTTCCTCACCAGTCTCCCAACGAGCGTGCCCGCTTGTACTTCCTGCTGGCCTGGTTTCA[T>G]GCGATCATCCAAGAACGCTTACGATACGCACCACTGGGGTGGTCAAAGAAGTATGAATTT-3'
Protein context (NP_001367.2, residues 4177-4197): ARLYFLLAWF[His4187Gln]AIIQERLRYA